The following is an entry in ClinVar:

NM_022464.5(SIL1):c.435G>C (p.Glu145Asp)

Gene: SIL1 (SIL1 nucleotide exchange factor; minus strand). Cytogenetic location: 5q31.2.
Variant type: single nucleotide variant.
Coding change: c.435G>C on transcript NM_022464.5 (MANE Select); coding-DNA position 435, G replaced by C.
Protein change: p.Glu145Asp; replaces glutamic acid 145 with aspartic acid.
Molecular consequence: missense variant.
Genome position (GRCh38, 1-based): chr5:139,042,638, C>G on the plus strand (G>C on the coding strand, the complement: SIL1 is on the minus strand). VCF-style: chr5-139042638-C-G. GRCh37 (hg19) VCF-style: chr5-138378327-C-G.
Other names: c.435G>C, p.Glu145Asp (NM_001037633.2); short protein forms E145D.
Identifiers: ClinVar variation 1913830 (VCV001913830.5), dbSNP rs764919628, ClinGen allele CA3432588.

ClinVar aggregate classification (germline): Uncertain significance (1 of 4 stars; one submission).

Conditions:
Marinesco-Sjögren syndrome (MSS). Also called: Marinesco-Sjogren Syndrome; Marinesco-SjÃ¶gren syndrome. Identifiers: Orphanet 559, MedGen C0024814, MONDO:0009567, OMIM 248800.

Allele frequency attached by ClinVar (database versions not stated): ExAC 0.00001; gnomAD 0.00001; TOPMed 0.00001; gnomAD exomes 0.00002.
gnomAD v4.1: 26 of 1,614,066 alleles (0.0016%); highest among the groups gnomAD compares: Non-Finnish European, 0.002%; no homozygotes.

Submission:

Labcorp Genetics (formerly Invitae), Labcorp
Classification: Uncertain significance for Marinesco-Sjögren syndrome. Last evaluated: 2025-03-31. Review status: criteria provided, single submitter. Criteria: Invitae Variant Classification Sherloc (09022015). Collection method: clinical testing. Allele origin: germline.
Comment: This sequence change replaces glutamic acid, which is acidic and polar, with aspartic acid, which is acidic and polar, at codon 145 of the SIL1 protein (p.Glu145Asp). This variant is present in population databases (rs764919628, gnomAD 0.002%). This variant has not been reported in the literature in individuals affected with SIL1-related conditions. ClinVar contains an entry for this variant (Variation ID: 1913830). An algorithm developed to predict the effect of missense changes on protein structure and function (PolyPhen-2) suggests that this variant is likely to be tolerated. In summary, the available evidence is currently insufficient to determine the role of this variant in disease. Therefore, it has been classified as a Variant of Uncertain Significance.